The following is an entry in ClinVar:

NM_003632.3(CNTNAP1):c.1028C>T (p.Ser343Phe)

Gene: CNTNAP1 (contactin associated protein 1; plus strand). Cytogenetic location: 17q21.2.
Variant type: single nucleotide variant.
Coding change: c.1028C>T on transcript NM_003632.3 (MANE Select); coding-DNA position 1028, C replaced by T.
Protein change: p.Ser343Phe; replaces serine 343 with phenylalanine.
Molecular consequence: missense variant.
Genome position (GRCh38, 1-based): chr17:42,687,030, C>T. VCF-style: chr17-42687030-C-T. GRCh37 (hg19) VCF-style: chr17-40839048-C-T.
Other names: p.Ser343Phe; c.1028C>T (NM_003632.2); short protein forms S343F.
Identifiers: ClinVar variation 1406242 (VCV001406242.4), dbSNP rs762196959, ClinGen allele CA8581671.

ClinVar aggregate classification (germline): Uncertain significance. Review status: criteria provided, multiple submitters, no conflicts (2 of 4 stars). 3 submissions from 3 submitters: Uncertain significance (3). Last evaluated 2025-11-02.

Conditions:
Inborn genetic diseases. Identifiers: MedGen C0950123, MeSH D030342.

Allele frequency attached by ClinVar (database versions not stated): TOPMed 0.00002; gnomAD exomes 0.00003 and 0.00004; ExAC 0.00002.
gnomAD v4.1: 16 of 1,613,080 alleles (0.00099%); highest among the groups gnomAD compares: Admixed American, 0.023%; no homozygotes.

Submissions (3):

Ambry Genetics
Classification: Uncertain significance for Inborn genetic diseases. Last evaluated: 2025-11-02. Review status: criteria provided, single submitter. Criteria: Ambry Variant Classification Scheme 2023. Collection method: clinical testing. Allele origin: germline.

Mayo Clinic Laboratories, Mayo Clinic
Classification: Uncertain significance. Last evaluated: 2025-09-23. Review status: criteria provided, single submitter. Criteria: ACMG Guidelines, 2015. Collection method: clinical testing. Allele origin: germline. Observed: 1 variant allele.

Labcorp Genetics (formerly Invitae), Labcorp
Classification: Uncertain significance. Last evaluated: 2022-08-06. Review status: criteria provided, single submitter. Criteria: Invitae Variant Classification Sherloc (09022015). Collection method: clinical testing. Allele origin: germline.
Comment: This sequence change replaces serine, which is neutral and polar, with phenylalanine, which is neutral and non-polar, at codon 343 of the CNTNAP1 protein (p.Ser343Phe). This variant is present in population databases (rs762196959, gnomAD 0.04%). This variant has not been reported in the literature in individuals affected with CNTNAP1-related conditions. ClinVar contains an entry for this variant (Variation ID: 1406242). Algorithms developed to predict the effect of missense changes on protein structure and function are either unavailable or do not agree on the potential impact of this missense change (SIFT: "Deleterious"; PolyPhen-2: "Benign"; Align-GVGD: "Class C65"). In summary, the available evidence is currently insufficient to determine the role of this variant in disease. Therefore, it has been classified as a Variant of Uncertain Significance.